The following is an entry in ClinVar:

NM_016169.4(SUFU):c.1273G>T (p.Ala425Ser)

Gene: SUFU (SUFU negative regulator of hedgehog signaling; plus strand). Cytogenetic location: 10q24.32.
Variant type: single nucleotide variant.
Coding change: c.1273G>T on transcript NM_016169.4 (MANE Select); coding-DNA position 1273, G replaced by T.
Protein change: p.Ala425Ser; replaces alanine 425 with serine.
Molecular consequence: missense variant.
Genome position (GRCh38, 1-based): chr10:102,617,405, G>T. VCF-style: chr10-102617405-G-T. GRCh37 (hg19) VCF-style: chr10-104377162-G-T.
Other names: c.1273G>T, p.Ala425Ser (NM_001178133.2); short protein forms A425S.
Identifiers: ClinVar variation 4824961 (VCV004824961.1).

ClinVar aggregate classification (germline): Uncertain significance (1 of 4 stars; one submission).

Conditions:
Hereditary cancer-predisposing syndrome. Also called: Neoplastic Syndromes, Hereditary; Tumor predisposition; Hereditary Cancer Syndrome; Hereditary neoplastic syndrome. Identifiers: Orphanet 140162, MedGen C0027672, MeSH D009386, MONDO:0015356.

Submission:

Ambry Genetics
Classification: Uncertain significance for Hereditary cancer-predisposing syndrome. Last evaluated: 2026-02-19. Review status: criteria provided, single submitter. Criteria: Ambry Variant Classification Scheme 2023. Collection method: clinical testing. Allele origin: germline.
Comment: The p.A425S variant (also known as c.1273G>T), located in coding exon 10 of the SUFU gene, results from a G to T substitution at nucleotide position 1273. The alanine at codon 425 is replaced by serine, an amino acid with similar properties. This amino acid position is conserved. In addition, this alteration is predicted to be tolerated by in silico analysis. Based on the available evidence, the clinical significance of this variant remains unclear.